The following is an entry in ClinVar:

ClinVar aggregate classification (germline): Uncertain significance. Review status: criteria provided, multiple submitters, no conflicts (2 of 4 stars). 3 submissions from 3 submitters: Uncertain significance (3). Last evaluated 2024-11-24.

Conditions:
Aortic aneurysm, familial thoracic 7 (AAT7). Also called: AORTIC DISSECTION, FAMILIAL, WITH OR WITHOUT AORTIC ANEURYSM. Identifiers: MedGen C3151077, MONDO:0013418, OMIM 613780.
Familial thoracic aortic aneurysm and aortic dissection (TAAD). Also called: Thoracic aortic aneurysms and dissections. Identifiers: Orphanet 91387, MedGen C4707243, MONDO:0019625.

Allele frequency attached by ClinVar (database versions not stated): gnomAD exomes 0.00001; gnomAD 0.00002.
gnomAD v4.1: 15 of 1,613,236 alleles (0.00093%); highest among the groups gnomAD compares: Admixed American, 0.0033%; no homozygotes.

Submissions (3):

Labcorp Genetics (formerly Invitae), Labcorp
Classification: Uncertain significance for Aortic aneurysm, familial thoracic 7. Last evaluated: 2024-11-24. Review status: criteria provided, single submitter. Criteria: Invitae Variant Classification Sherloc (09022015). Collection method: clinical testing. Allele origin: germline.
Comment: This sequence change replaces glycine, which is neutral and non-polar, with alanine, which is neutral and non-polar, at codon 1021 of the MYLK protein (p.Gly1021Ala). This variant is present in population databases (rs200041144, gnomAD 0.007%). This variant has not been reported in the literature in individuals affected with MYLK-related conditions. ClinVar contains an entry for this variant (Variation ID: 519986). Invitae Evidence Modeling of protein sequence and biophysical properties (such as structural, functional, and spatial information, amino acid conservation, physicochemical variation, residue mobility, and thermodynamic stability) indicates that this missense variant is not expected to disrupt MYLK protein function with a negative predictive value of 80%. In summary, the available evidence is currently insufficient to determine the role of this variant in disease. Therefore, it has been classified as a Variant of Uncertain Significance.

GeneDx
Classification: Uncertain significance. Last evaluated: 2023-05-23. Review status: criteria provided, single submitter. Criteria: GeneDx Variant Classification Process June 2021. Collection method: clinical testing. Allele origin: germline. Affected: yes.
Comment: Not observed at significant frequency in large population cohorts (gnomAD); In silico analysis supports that this missense variant does not alter protein structure/function; Has not been previously published as pathogenic or benign to our knowledge

Ambry Genetics
Classification: Uncertain significance for Familial thoracic aortic aneurysm and aortic dissection. Last evaluated: 2016-07-07. Review status: criteria provided, single submitter. Criteria: Ambry Variant Classification Scheme 2023. Collection method: clinical testing. Allele origin: germline.
Comment: The p.G1021A variant (also known as c.3062G>C), located in coding exon 15 of the MYLK gene, results from a G to C substitution at nucleotide position 3062. The glycine at codon 1021 is replaced by alanine, an amino acid with similar properties. This variant was previously reported in the SNPDatabase as rs200041144. This variant was not reported in population based cohorts in the following databases: Database of Single Nucleotide Polymorphisms (dbSNP), NHLBI Exome Sequencing Project (ESP), and 1000 Genomes Project. In the ESP, this variant was not observed in 6503 samples (13006 alleles) with coverage at this position. This amino acid position is poorly conserved in available vertebrate species, and alanine is the reference amino acid in other vertebrate species. In addition, this alteration is predicted to be tolerated by in silico analysis. Since supporting evidence is limited at this time, the clinical significance of this alteration remains unclear.

NM_053025.4(MYLK):c.3062G>C (p.Gly1021Ala)

Gene: MYLK (myosin light chain kinase; minus strand). Cytogenetic location: 3q21.1.
Variant type: single nucleotide variant.
Coding change: c.3062G>C on transcript NM_053025.4 (MANE Select); coding-DNA position 3062, G replaced by C.
Protein change: p.Gly1021Ala; replaces glycine 1021 with alanine.
Molecular consequence: missense variant.
Genome position (GRCh38, 1-based): chr3:123,700,406, C>G on the plus strand (G>C on the coding strand, the complement: MYLK is on the minus strand). VCF-style: chr3-123700406-C-G. GRCh37 (hg19) VCF-style: chr3-123419253-C-G.
Other names: c.2534G>C, p.Gly845Ala (NM_001321309.2); c.2855G>C, p.Gly952Ala (NM_053026.4, NM_053028.4); c.3062G>C, p.Gly1021Ala (NM_053027.4); short protein forms G1021A, G845A, G952A.
Identifiers: ClinVar variation 519986 (VCV000519986.15), dbSNP rs200041144, ClinGen allele CA82924816.